The following is an entry in ClinVar:

ClinVar aggregate classification (germline): Uncertain significance. Review status: criteria provided, multiple submitters, no conflicts (2 of 4 stars). 3 submissions from 3 submitters: Uncertain significance (3). Last evaluated 2025-08-31.

Conditions:
Hyper-IgE recurrent infection syndrome 1, autosomal dominant. Also called: Job's Syndrome; STAT3 Hyper IgE Syndrome; JOB SYNDROME; HYPER-IgE SYNDROME 1, AUTOSOMAL DOMINANT, WITH RECURRENT INFECTIONS; Hyper-IgE recurrent infection syndrome 1. Identifiers: Orphanet 2314, MedGen C2936739, MONDO:0007818, OMIM 147060.
STAT3 gain of function. Identifiers: MedGen C4288261.
Inborn genetic diseases. Identifiers: MedGen C0950123, MeSH D030342.
STAT3-related disorder. Also called: STAT3-related condition.

Allele frequency attached by ClinVar (database versions not stated): gnomAD exomes below 0.00001 and 0.00001; ExAC 0.00001; TOPMed 0.00001; gnomAD 0.00002; ESP Exome Variant Server 0.00008.
gnomAD v4.1: 7 of 1,613,992 alleles (0.00043%); highest among the groups gnomAD compares: Non-Finnish European, 0.00059%; no homozygotes.

Submissions (3):

Labcorp Genetics (formerly Invitae), Labcorp
Classification: Uncertain significance for STAT3 gain of function; Hyper-IgE recurrent infection syndrome 1, autosomal dominant. Last evaluated: 2025-08-31. Review status: criteria provided, single submitter. Criteria: Invitae Variant Classification Sherloc (09022015). Collection method: clinical testing. Allele origin: germline.
Comment: This sequence change replaces valine, which is neutral and non-polar, with isoleucine, which is neutral and non-polar, at codon 338 of the STAT3 protein (p.Val338Ile). This variant is present in population databases (rs371953916, gnomAD 0.003%). This variant has not been reported in the literature in individuals affected with STAT3-related conditions. ClinVar contains an entry for this variant (Variation ID: 1389278). Invitae Evidence Modeling of protein sequence and biophysical properties (such as structural, functional, and spatial information, amino acid conservation, physicochemical variation, residue mobility, and thermodynamic stability) indicates that this missense variant is not expected to disrupt STAT3 protein function with a negative predictive value of 80%. In summary, the available evidence is currently insufficient to determine the role of this variant in disease. Therefore, it has been classified as a Variant of Uncertain Significance.

PreventionGenetics, part of Exact Sciences
Classification: Uncertain significance for STAT3-related condition. Last evaluated: 2024-12-31. Review status: criteria provided, single submitter. Criteria: ACMG Guidelines, 2015. Collection method: clinical testing. Allele origin: germline.
Comment: The STAT3 c.1012G>A variant is predicted to result in the amino acid substitution p.Val338Ile. To our knowledge, this variant has not been reported in the literature. This variant is reported in 0.0018% of alleles in individuals of European (Non-Finnish) descent in gnomAD. At this time, the clinical significance of this variant is uncertain due to the absence of conclusive functional and genetic evidence.

Ambry Genetics
Classification: Uncertain significance for Inborn genetic diseases. Last evaluated: 2022-11-17. Review status: criteria provided, single submitter. Criteria: Ambry Variant Classification Scheme 2023. Collection method: clinical testing. Allele origin: germline.

NM_139276.3(STAT3):c.1012G>A (p.Val338Ile)

Gene: STAT3 (signal transducer and activator of transcription 3; minus strand). Cytogenetic location: 17q21.2.
Variant type: single nucleotide variant.
Coding change: c.1012G>A on transcript NM_139276.3 (MANE Select); coding-DNA position 1012, G replaced by A.
Protein change: p.Val338Ile; replaces valine 338 with isoleucine.
Molecular consequence: missense variant.
Genome position (GRCh38, 1-based): chr17:42,333,710, C>T on the plus strand (G>A on the coding strand, the complement: STAT3 is on the minus strand). VCF-style: chr17-42333710-C-T. GRCh37 (hg19) VCF-style: chr17-40485728-C-T.
Other names: c.1012G>A, p.Val338Ile (NM_001369512.1, NM_001369513.1, NM_001369514.1 and 15 more transcripts); c.934G>A, p.Val312Ile (NM_001384985.1); c.916G>A, p.Val306Ile (NM_001384989.1); c.1012G>A (NM_139276.2); short protein forms V306I, V312I, V338I.
Identifiers: ClinVar variation 1389278 (VCV001389278.8), dbSNP rs371953916, ClinGen allele CA8575496.